The following is an entry in ClinVar:

ClinVar aggregate classification (germline): Uncertain significance (1 of 4 stars; one submission).

Allele frequency attached by ClinVar (database versions not stated): gnomAD exomes below 0.00001.

Submission:

Labcorp Genetics (formerly Invitae), Labcorp
Classification: Uncertain significance. Last evaluated: 2022-07-10. Review status: criteria provided, single submitter. Criteria: Invitae Variant Classification Sherloc (09022015). Collection method: clinical testing. Allele origin: germline.
Comment: In summary, the available evidence is currently insufficient to determine the role of this variant in disease. Therefore, it has been classified as a Variant of Uncertain Significance. Experimental studies and prediction algorithms are not available or were not evaluated, and the functional significance of this variant is currently unknown. This variant has not been reported in the literature in individuals affected with FBN3-related conditions. This variant is present in population databases (no rsID available, gnomAD 0.0009%). This variant, c.3604_3606del, results in the deletion of 1 amino acid(s) of the FBN3 protein (p.Glu1202del), but otherwise preserves the integrity of the reading frame.

NM_032447.5(FBN3):c.3604_3606del (p.Glu1202del)

Gene: FBN3 (fibrillin 3; minus strand). Cytogenetic location: 19p13.2.
Variant type: Deletion.
Coding change: c.3604_3606del on transcript NM_032447.5 (MANE Select); coding-DNA positions 3604 to 3606, 3 bases deleted (GAG; older notation c.3604_3606delGAG).
Protein change: p.Glu1202del; deletes glutamic acid 1202.
Molecular consequence: inframe deletion.
Genome position (GRCh38, 1-based): chr19:8,116,780-8,116,782, CTC deleted on the plus strand (GAG on the coding strand, the reverse complement: FBN3 is on the minus strand). VCF-style (leftmost placement, unchanged base first): chr19-8116779-TCTC-T. GRCh37 (hg19) VCF-style: chr19-8181663-TCTC-T.
Other names: c.3604_3606del, p.Glu1202del (NM_001321431.2); short protein forms E1202del.
Identifiers: ClinVar variation 2015842 (VCV002015842.4), dbSNP rs1339962408, ClinGen allele CA631341764.
Genomic context (GRCh38, chr19:8,116,779, plus strand): 5'-ACAGGCAGCGGTGACCCCCTGGCATGTTGGTGCAGTGGCCTTGGTCACAAACGCGGGGGT[TCTC>T]TTCACACTCGTCCACGTCTGGGGGAGCAGGGTTGGGGACTGTGCTTAGCTTTGCCCTGAT-3'